The following is an entry in ClinVar:

NM_001042432.2(CLN3):c.46+63A>G

Gene: CLN3 (CLN3 lysosomal/endosomal transmembrane protein, battenin; minus strand). Cytogenetic location: 16p12.1.
Variant type: single nucleotide variant.
Coding change: c.46+63A>G on transcript NM_001042432.2 (MANE Select); 63 bases into the intron after coding-DNA position 46, A replaced by G.
Molecular consequence: intron variant.
Genome position (GRCh38, 1-based): chr16:28,491,651, T>C on the plus strand (A>G on the coding strand, the complement: CLN3 is on the minus strand). VCF-style: chr16-28491651-T-C. GRCh37 (hg19) VCF-style: chr16-28502972-T-C.
Other names: NC_000016.9:g.28502972T>C; c.-38+63A>G (NM_001286109.2, NM_001286110.2); c.46+63A>G (NM_001286104.2, NM_000086.2); c.-96+63A>G (NM_001286105.2).
Identifiers: ClinVar variation 673186 (VCV000673186.2), dbSNP rs28545628, ClinGen allele CA7981114.
Genomic context (GRCh38, chr16:28,491,651, plus strand): 5'-ACCTACTCTCAGGTGCACGACCGCTCCTTGCGTGTCCTCCCGGGGCCGAGTCAGCTCTCA[T>C]TCCCCTCAGGTGGGCTGCGAGCCAGAGGTGGTCGTTCCATGAGGGTGGGCGGGAATACTC-3'

ClinVar aggregate classification (germline): Benign (1 of 4 stars; one submission).

Allele frequency attached by ClinVar (database versions not stated): gnomAD exomes 0.00408 and 0.01088; ExAC 0.01380; ESP Exome Variant Server 0.04249; gnomAD 0.04342 and 0.04650; 1000 Genomes Project 0.04792; TOPMed 0.04804; 1000 Genomes Project 30x 0.05122.

Submissions (7):

GeneDx
Classification: Benign. Last evaluated: 2018-06-14. Review status: criteria provided, single submitter. Criteria: GeneDx Variant Classification (06012015). Collection method: clinical testing. Allele origin: germline. Affected: yes.
Comment: This variant is considered likely benign or benign based on one or more of the following criteria: it is a conservative change, it occurs at a poorly conserved position in the protein, it is predicted to be benign by multiple in silico algorithms, and/or has population frequency not consistent with disease.

Dr. Peter K. Rogan Lab, Western University
No classification provided (evidence only). Condition: Lung cancer. Review status: no classification provided. Collection method: in vitro. Allele origin: not applicable. Functional consequence: retained intron. Not counted in ClinVar's aggregate classification.

Dr. Peter K. Rogan Lab, Western University
No classification provided (evidence only). Condition: Acute myeloid leukemia. Review status: no classification provided. Collection method: in vitro. Allele origin: not applicable. Functional consequence: retained intron. Not counted in ClinVar's aggregate classification.

Dr. Peter K. Rogan Lab, Western University
No classification provided (evidence only). Condition: Acute myeloid leukemia. Review status: no classification provided. Collection method: in vitro. Allele origin: not applicable. Functional consequence: retained intron. Not counted in ClinVar's aggregate classification.

Dr. Peter K. Rogan Lab, Western University
No classification provided (evidence only). Condition: Uterine corpus endometrial carcinoma. Review status: no classification provided. Collection method: in vitro. Allele origin: not applicable. Functional consequence: retained intron. Not counted in ClinVar's aggregate classification.

Dr. Peter K. Rogan Lab, Western University
No classification provided (evidence only). Condition: Sarcoma. Review status: no classification provided. Collection method: in vitro. Allele origin: not applicable. Functional consequence: retained intron. Not counted in ClinVar's aggregate classification.

Dr. Peter K. Rogan Lab, Western University
No classification provided (evidence only). Condition: Ovarian serous cystadenocarcinoma. Review status: no classification provided. Collection method: in vitro. Allele origin: not applicable. Functional consequence: retained intron. Not counted in ClinVar's aggregate classification.